The following is an entry in ClinVar:

NM_002894.3(RBBP8):c.631A>G (p.Thr211Ala)

Gene: RBBP8 (RB binding protein 8, endonuclease; plus strand). Cytogenetic location: 18q11.2.
Variant type: single nucleotide variant.
Coding change: c.631A>G on transcript NM_002894.3 (MANE Select); coding-DNA position 631, A replaced by G.
Protein change: p.Thr211Ala; replaces threonine 211 with alanine.
Molecular consequence: missense variant.
Genome position (GRCh38, 1-based): chr18:22,984,912, A>G. VCF-style: chr18-22984912-A-G. GRCh37 (hg19) VCF-style: chr18-20564875-A-G.
Other names: c.631A>G, p.Thr211Ala (NM_203291.2, NM_203292.2); short protein forms T211A.
Identifiers: ClinVar variation 1704692 (VCV001704692.2), dbSNP rs200894211, ClinGen allele CA8909892.

ClinVar aggregate classification (germline): Uncertain significance (1 of 4 stars; one submission).

Allele frequency attached by ClinVar (database versions not stated): gnomAD 0.00004; 1000 Genomes Project 30x 0.00016; 1000 Genomes Project 0.00020.
gnomAD v4.1: 119 of 1,608,598 alleles (0.0074%); highest among the groups gnomAD compares: East Asian, 0.011%; no homozygotes.

Submission:

GeneDx
Classification: Uncertain significance. Last evaluated: 2022-03-07. Review status: criteria provided, single submitter. Criteria: GeneDx Variant Classification Process June 2021. Collection method: clinical testing. Allele origin: germline. Affected: yes.
Comment: Not observed at significant frequency in large population cohorts (gnomAD); In silico analysis supports that this missense variant does not alter protein structure/function; Has not been previously published as pathogenic or benign to our knowledge